The following is an entry in ClinVar:

ClinVar aggregate classification (germline): Benign. Review status: criteria provided, multiple submitters, no conflicts (2 of 4 stars). 6 submissions from 6 submitters: Benign (6). Last evaluated 2026-08-03.

Conditions:
Familial colorectal cancer type X. Identifiers: Orphanet 440437, MedGen C3896578, MONDO:0018604.
Hereditary cancer-predisposing syndrome. Also called: Neoplastic Syndromes, Hereditary; Tumor predisposition; Hereditary Cancer Syndrome; Hereditary neoplastic syndrome. Identifiers: Orphanet 140162, MedGen C0027672, MeSH D009386, MONDO:0015356.

Allele frequency attached by ClinVar (database versions not stated): ExAC 0.19555; 1000 Genomes Project 30x 0.20269; TOPMed 0.25442; gnomAD exomes 0.19290; 1000 Genomes Project 0.19549; gnomAD 0.25239 and 0.24245; ESP Exome Variant Server 0.25793.
gnomAD v4.1: 341,338 of 1,599,054 alleles (21%); highest among the groups gnomAD compares: African/African-American, 34%; 39,610 homozygotes.

Submissions (6):

Myriad Genetics, Inc.
Classification: Benign for Familial colorectal cancer type X. Last evaluated: 2026-08-03. Review status: criteria provided, single submitter. Criteria: Myriad Autosomal Dominant, Autosomal Recessive and X-Linked Classification Criteria (2023). Collection method: clinical testing. Allele origin: unknown.
Comment: This variant is considered benign. This variant is intronic and is not expected to impact mRNA splicing. This variant has been observed at a population frequency that is significantly greater than expected given the associated disease prevalence and penetrance.

Labcorp Genetics (formerly Invitae), Labcorp
Classification: Benign. Last evaluated: 2026-02-04. Review status: criteria provided, single submitter. Criteria: Invitae Variant Classification Sherloc (09022015). Collection method: clinical testing. Allele origin: germline.

GeneKor MSA
Classification: Benign for Hereditary cancer-predisposing syndrome. Last evaluated: 2025-07-10. Review status: criteria provided, single submitter. Criteria: ACMG Guidelines, 2015. Collection method: clinical testing. Allele origin: germline.

Blueprint Genetics
Classification: Benign. Last evaluated: 2024-11-27. Review status: criteria provided, single submitter. Criteria: ACMG Guidelines, 2015. Collection method: clinical testing. Allele origin: germline.

GeneDx
Classification: Benign. Last evaluated: 2019-06-14. Review status: criteria provided, single submitter. Criteria: GeneDx Variant Classification Process June 2021. Collection method: clinical testing. Allele origin: germline. Affected: yes.

Breakthrough Genomics
Classification: Benign. Review status: criteria provided, single submitter. Criteria: ACMG Guidelines, 2015. Collection method: not provided. Allele origin: germline. Inheritance: Unknown mechanism. Affected: yes.

NM_001023.4(RPS20):c.4-19T>C

Gene: RPS20 (ribosomal protein S20; minus strand). Cytogenetic location: 8q12.1.
Variant type: single nucleotide variant.
Coding change: c.4-19T>C on transcript NM_001023.4 (MANE Select); 19 bases into the intron before coding-DNA position 4, T replaced by C.
Molecular consequence: intron variant.
Genome position (GRCh38, 1-based): chr8:56,074,178, A>G on the plus strand (T>C on the coding strand, the complement: RPS20 is on the minus strand). VCF-style: chr8-56074178-A-G. GRCh37 (hg19) VCF-style: chr8-56986737-A-G.
Other names: c.4-19T>C (NM_001146227.3).
Identifiers: ClinVar variation 1261082 (VCV001261082.14), dbSNP rs2976044, ClinGen allele CA4754484.
Genomic context (GRCh38, chr8:56,074,178, plus strand): 5'-CACCTCCGGCTCCACGGGTGTTTTTCCGGTATCCTTAAAAGCCTATTATTAGATACATGA[A>G]AAAGAACAATAAGCCAAAAATGGTCTGCCACTTCTGGAGAAAGGCAGCTTCCGGAAGCTT-3'